The following is an entry in ClinVar:

NM_014874.4(MFN2):c.1221G>T (p.Gln407His)

Gene: MFN2 (mitofusin 2; plus strand). Cytogenetic location: 1p36.22.
Variant type: single nucleotide variant.
Coding change: c.1221G>T on transcript NM_014874.4 (MANE Select); coding-DNA position 1221, G replaced by T.
Protein change: p.Gln407His; replaces glutamine 407 with histidine.
Molecular consequence: missense variant.
Genome position (GRCh38, 1-based): chr1:12,004,052, G>T. VCF-style: chr1-12004052-G-T. GRCh37 (hg19) VCF-style: chr1-12064109-G-T.
Other names: c.1221G>T, p.Gln407His (NM_001127660.2); short protein forms Q407H.
Identifiers: ClinVar variation 543213 (VCV000543213.8), dbSNP rs1279266159, ClinGen allele CA338445077.

ClinVar aggregate classification (germline): Uncertain significance (1 of 4 stars; one submission).

Conditions:
Charcot-Marie-Tooth disease type 2. Also called: Charcot-Marie-Tooth type 2. Identifiers: Orphanet 64746, MedGen C0270914, MONDO:0018993.

Submission:

Labcorp Genetics (formerly Invitae), Labcorp
Classification: Uncertain significance for Charcot-Marie-Tooth disease type 2. Last evaluated: 2017-11-07. Review status: criteria provided, single submitter. Criteria: Invitae Variant Classification Sherloc (09022015). Collection method: clinical testing. Allele origin: germline.
Comment: In summary, the available evidence is currently insufficient to determine the role of this variant in disease. Therefore, it has been classified as a Variant of Uncertain Significance. Algorithms developed to predict the effect of missense changes on protein structure and function do not agree on the potential impact of this missense change (SIFT: "Tolerated"; PolyPhen-2: "Possibly Damaging"; Align-GVGD: "Class C0"). This variant has not been reported in the literature in individuals with MFN2-related disease. This variant is not present in population databases (ExAC no frequency). This sequence change replaces glutamine with histidine at codon 407 of the MFN2 protein (p.Gln407His). The glutamine residue is highly conserved and there is a small physicochemical difference between glutamine and histidine.